The following is an entry in ClinVar:

NM_000256.3(MYBPC3):c.2307C>T (p.Ile769=)

Gene: MYBPC3 (myosin binding protein C3; minus strand). Cytogenetic location: 11p11.2.
Variant type: single nucleotide variant.
Coding change: c.2307C>T on transcript NM_000256.3 (MANE Select); coding-DNA position 2307, C replaced by T.
Protein change: p.Ile769=; no amino-acid change (isoleucine 769 retained).
Molecular consequence: synonymous variant.
Genome position (GRCh38, 1-based): chr11:47,338,521, G>A on the plus strand (C>T on the coding strand, the complement: MYBPC3 is on the minus strand). VCF-style: chr11-47338521-G-A. GRCh37 (hg19) VCF-style: chr11-47360072-G-A.
Identifiers: ClinVar variation 1038339 (VCV001038339.12), dbSNP rs775491112, ClinGen allele CA078624.

ClinVar aggregate classification (germline): Uncertain significance. Review status: criteria provided, multiple submitters, no conflicts (2 of 4 stars). 3 submissions from 3 submitters: Uncertain significance (3). Last evaluated 2025-11-04.

Conditions:
Hypertrophic cardiomyopathy. Also called: HYPERTROPHIC MYOCARDIOPATHY. Identifiers: Orphanet 217569, MedGen C0007194, MeSH D002312, MONDO:0005045, HP:0001639.
Cardiovascular phenotype. Identifiers: MedGen CN230736.

Allele frequency attached by ClinVar (database versions not stated): ExAC 0.00002; gnomAD 0.00002 and 0.00001; gnomAD exomes 0.00002; TOPMed 0.00001.

Submissions (3):

Ambry Genetics
Classification: Uncertain significance for Cardiovascular phenotype. Last evaluated: 2025-11-04. Review status: criteria provided, single submitter. Criteria: Ambry Variant Classification Scheme 2023. Collection method: clinical testing. Allele origin: germline.
Comment: The c.2307C>T variant (also known as p.I769I), located in coding exon 23 of the MYBPC3 gene, results from a C to T substitution at nucleotide position 2307. This nucleotide substitution does not change the isoleucine at codon 769. This nucleotide position is not well conserved in available vertebrate species. In silico splice site analysis for this alteration is inconclusive. Since supporting evidence is limited at this time, the clinical significance of this alteration remains unclear.

Labcorp Genetics (formerly Invitae), Labcorp
Classification: Uncertain significance for Hypertrophic cardiomyopathy. Last evaluated: 2025-07-27. Review status: criteria provided, single submitter. Criteria: Invitae Variant Classification Sherloc (09022015). Collection method: clinical testing. Allele origin: germline.
Comment: This sequence change affects codon 769 of the MYBPC3 mRNA. It is a 'silent' change, meaning that it does not change the encoded amino acid sequence of the MYBPC3 protein. It affects a nucleotide within the consensus splice site. This variant is present in population databases (rs775491112, gnomAD 0.01%). This variant has not been reported in the literature in individuals affected with MYBPC3-related conditions. ClinVar contains an entry for this variant (Variation ID: 1038339). Algorithms developed to predict the effect of sequence changes on RNA splicing suggest that this variant may create or strengthen a splice site. In summary, the available evidence is currently insufficient to determine the role of this variant in disease. Therefore, it has been classified as a Variant of Uncertain Significance.

All of Us Research Program, National Institutes of Health
Classification: Uncertain significance for Hypertrophic cardiomyopathy. Last evaluated: 2024-04-25. Review status: criteria provided, single submitter. Criteria: ACMG Guidelines, 2015. Collection method: clinical testing. Allele origin: germline. Inheritance: Autosomal dominant inheritance. Observed: 2 variant alleles, 2 heterozygotes.
Comment: This synonymous variant causes a nucleotide substitution but does not change the encoded amino acid at codon 769 of the MYBPC3 protein. Splice site prediction tools are inconclusive regarding the impact of this variant on RNA splicing. To our knowledge, RNA studies have not been reported for this variant. This variant has not been reported in individuals affected with MYBPC3-related disorders in the literature. This variant has been identified in 4/249106 chromosomes in the general population by the Genome Aggregation Database (gnomAD). The available evidence is insufficient to determine the role of this variant in disease conclusively. Therefore, this variant is classified as a Variant of Uncertain Significance.

This study involves interpretation of variants in research participants for the purpose of population health screening. Participant phenotype was not available at the time of variant classification. Additional details can be found in publication PMID: 35346344, PMCID: PMC8962531